The following is an entry in ClinVar:

ClinVar aggregate classification (germline): Uncertain significance (1 of 4 stars; one submission).

Submission:

CeGaT Center for Human Genetics Tuebingen
Classification: Uncertain significance. Last evaluated: 2025-04-01. Review status: criteria provided, single submitter. Criteria: CeGaT Center For Human Genetics Tuebingen Variant Classification Criteria Version 2. Collection method: clinical testing. Allele origin: germline. Affected: yes. Observed: 1 variant allele.
Comment: ZNF292: PM2:Supporting, BP4

NM_015021.3(ZNF292):c.4723T>G (p.Leu1575Val)

Gene: ZNF292 (zinc finger protein 292; plus strand). Cytogenetic location: 6q14.3.
Variant type: single nucleotide variant.
Coding change: c.4723T>G on transcript NM_015021.3 (MANE Select); coding-DNA position 4723, T replaced by G.
Protein change: p.Leu1575Val; replaces leucine 1575 with valine.
Molecular consequence: missense variant.
Genome position (GRCh38, 1-based): chr6:87,258,352, T>G. VCF-style: chr6-87258352-T-G. GRCh37 (hg19) VCF-style: chr6-87968070-T-G.
Other names: c.4303T>G, p.Leu1435Val (NM_001351444.2); short protein forms L1435V, L1575V.
Identifiers: ClinVar variation 3898528 (VCV003898528.7).
Genomic context (GRCh38, chr6:87,258,352, plus strand): 5'-AACTCCAAAACTTCCTCCATTGAGGAATGTAGCAGCTTGCCTGTTTTTCCAACGAATGAC[T>G]TACTACTGAAGACTGTTGAAAATGGTTTGTGCTCTAGTTCATTTCCTAATTCTGGTGGGC-3'
Protein context (NP_055836.1, residues 1565-1585): SSLPVFPTND[Leu1575Val]LLKTVENGLC